The following is an entry in ClinVar:

ClinVar aggregate classification (germline): Uncertain significance (1 of 4 stars; one submission).

Submission:

Labcorp Genetics (formerly Invitae), Labcorp
Classification: Uncertain significance. Last evaluated: 2025-08-29. Review status: criteria provided, single submitter. Criteria: Invitae Variant Classification Sherloc (09022015). Collection method: clinical testing. Allele origin: germline.
Comment: This sequence change replaces valine, which is neutral and non-polar, with methionine, which is neutral and non-polar, at codon 44 of the NOG protein (p.Val44Met). This variant is not present in population databases (gnomAD no frequency). This variant has not been reported in the literature in individuals affected with NOG-related conditions. An algorithm developed to predict the effect of missense changes on protein structure and function (PolyPhen-2) suggests that this variant is likely to be disruptive. In summary, the available evidence is currently insufficient to determine the role of this variant in disease. Therefore, it has been classified as a Variant of Uncertain Significance.

NM_005450.6(NOG):c.130G>A (p.Val44Met)

Gene: NOG (noggin; plus strand). Cytogenetic location: 17q22.
Variant type: single nucleotide variant.
Coding change: c.130G>A on transcript NM_005450.6 (MANE Select); coding-DNA position 130, G replaced by A.
Protein change: p.Val44Met; replaces valine 44 with methionine.
Molecular consequence: missense variant.
Genome position (GRCh38, 1-based): chr17:56,594,353, G>A. VCF-style: chr17-56594353-G-A. GRCh37 (hg19) VCF-style: chr17-54671714-G-A.
Other names: short protein forms V44M.
Identifiers: ClinVar variation 4726248 (VCV004726248.1).